The following is an entry in ClinVar:

ClinVar aggregate classification (germline): Likely benign. Review status: criteria provided, multiple submitters, no conflicts (2 of 4 stars). 2 submissions from 2 submitters: Likely benign (2). Last evaluated 2024-02-01.

Conditions:
Hereditary spastic paraplegia 3A (SPG3A). Also called: Spastic paraplegia 3A, autosomal dominant; SPASTIC PARAPLEGIA 3, AUTOSOMAL DOMINANT; FAMILIAL SPASTIC PARAPLEGIA, AUTOSOMAL DOMINANT, 1; SPG3; STRUMPELL DISEASE; Spastic Paraplegia 3A. Identifiers: Orphanet 100984, MedGen C2931355, MONDO:0008437, OMIM 182600.

Allele frequency attached by ClinVar (database versions not stated): gnomAD 0.00001 and 0.00002; gnomAD exomes 0.00001 and 0.00002; TOPMed 0.00002; ESP Exome Variant Server 0.00008.
gnomAD v4.1: 34 of 1,574,438 alleles (0.0022%); highest among the groups gnomAD compares: Non-Finnish European, 0.0027%; no homozygotes.

Submissions (2):

Labcorp Genetics (formerly Invitae), Labcorp
Classification: Likely benign for Hereditary spastic paraplegia 3A. Last evaluated: 2024-02-01. Review status: criteria provided, single submitter. Criteria: Invitae Variant Classification Sherloc (09022015). Collection method: clinical testing. Allele origin: germline.

GeneDx
Classification: Likely benign. Last evaluated: 2018-01-24. Review status: criteria provided, single submitter. Criteria: GeneDx Variant Classification (06012015). Collection method: clinical testing. Allele origin: germline. Affected: yes.
Comment: This variant is considered likely benign or benign based on one or more of the following criteria: it is a conservative change, it occurs at a poorly conserved position in the protein, it is predicted to be benign by multiple in silico algorithms, and/or has population frequency not consistent with disease.

NM_015915.5(ATL1):c.1047+12T>C

Gene: ATL1 (atlastin GTPase 1; plus strand). Cytogenetic location: 14q22.1.
Variant type: single nucleotide variant.
Coding change: c.1047+12T>C on transcript NM_015915.5 (MANE Select); 12 bases into the intron after coding-DNA position 1047, T replaced by C.
Molecular consequence: intron variant.
Genome position (GRCh38, 1-based): chr14:50,621,911, T>C. VCF-style: chr14-50621911-T-C. GRCh37 (hg19) VCF-style: chr14-51088629-T-C.
Other names: c.1047+12T>C (NM_001127713.1, NM_181598.4).
Identifiers: ClinVar variation 514935 (VCV000514935.5), dbSNP rs375882898, ClinGen allele CA260790193.